The following is an entry in ClinVar:

NM_194434.3(VAPA):c.34G>T (p.Glu12Ter)

Gene: VAPA (VAMP associated protein A; plus strand). Cytogenetic location: 18p11.22.
Variant type: single nucleotide variant.
Coding change: c.34G>T on transcript NM_194434.3 (MANE Select); coding-DNA position 34, G replaced by T.
Protein change: p.Glu12Ter; replaces glutamic acid 12 with a stop codon.
Molecular consequence: nonsense.
Genome position (GRCh38, 1-based): chr18:9,914,290, G>T. VCF-style: chr18-9914290-G-T. GRCh37 (hg19) VCF-style: chr18-9914287-G-T.
Other names: c.34G>T, p.Glu12Ter (NM_003574.6); short protein forms E12*.
Identifiers: ClinVar variation 4683119 (VCV004683119.1).

ClinVar aggregate classification (germline): Likely pathogenic (0 of 4 stars; one submission).

Conditions:
Microcephaly. Also called: Microcephaly (disease). Identifiers: MedGen C4551563, MONDO:0001149, HP:0000252.

Submission:

SYNLAB MVZ HG Mannheim GmbH, Zentrum für Humangenetik Mannheim
Classification: Likely pathogenic for Microcephaly. Last evaluated: 2025-12-29. Review status: no assertion criteria provided. Collection method: clinical testing. Allele origin: germline. Inheritance: Autosomal recessive inheritance. Affected: yes. Observed: 1 homozygote.